The following is an entry in ClinVar:

NM_000257.4(MYH7):c.3727-5C>G

Gene: MYH7 (myosin heavy chain 7; minus strand). Cytogenetic location: 14q11.2.
Variant type: single nucleotide variant.
Coding change: c.3727-5C>G on transcript NM_000257.4 (MANE Select); 5 bases into the intron before coding-DNA position 3727, C replaced by G.
Molecular consequence: intron variant.
Genome position (GRCh38, 1-based): chr14:23,419,614, G>C on the plus strand (C>G on the coding strand, the complement: MYH7 is on the minus strand). VCF-style: chr14-23419614-G-C. GRCh37 (hg19) VCF-style: chr14-23888823-G-C.
Other names: c.3727-5C>G (NM_001407004.1).
Identifiers: ClinVar variation 3387309 (VCV003387309.1).
Genomic context (GRCh38, chr14:23,419,614, plus strand): 5'-CTCCGGTGCTCATTCATCTGGTCTTCCAAGGTCCGGCACATCTTCTCCAGGTTAGCCTGA[G>C]AAGGGAAGGAGAGTTATATGATGGATGTTGGGGGCGGGGGGAATGAAGGGGTGTAAGAGG-3'

ClinVar aggregate classification (germline): Likely benign (1 of 4 stars; one submission).

Conditions:
Cardiomyopathy (CMYO). Also called: Cardiomyopathies. Identifiers: Orphanet 167848, MedGen C0878544, MONDO:0004994, HP:0001638. Inheritance: Various modes of inheritance.

gnomAD v4.1: 1 of 1,613,782 alleles (0.000062%); highest among the groups gnomAD compares: African/African-American, 0.0013%; no homozygotes.

Submission:

All of Us Research Program, National Institutes of Health
Classification: Likely benign for Cardiomyopathy. Last evaluated: 2024-05-30. Review status: criteria provided, single submitter. Criteria: ACMG Guidelines, 2015. Collection method: clinical testing. Allele origin: germline. Inheritance: Autosomal dominant inheritance. Observed: 1 variant allele, 1 heterozygote.
Comment: This study involves interpretation of variants in research participants for the purpose of population health screening. Participant phenotype was not available at the time of variant classification. Additional details can be found in publication PMID: 35346344, PMCID: PMC8962531